The following is an entry in ClinVar:

ClinVar aggregate classification (germline): Uncertain significance (1 of 4 stars; one submission).

Submission:

Labcorp Genetics (formerly Invitae), Labcorp
Classification: Uncertain significance. Last evaluated: 2022-03-02. Review status: criteria provided, single submitter. Criteria: Invitae Variant Classification Sherloc (09022015). Collection method: clinical testing. Allele origin: germline.
Comment: In summary, the available evidence is currently insufficient to determine the role of this variant in disease. Therefore, it has been classified as a Variant of Uncertain Significance. Advanced modeling of protein sequence and biophysical properties (such as structural, functional, and spatial information, amino acid conservation, physicochemical variation, residue mobility, and thermodynamic stability) performed at Invitae indicates that this missense variant is expected to disrupt LRP5 protein function. This variant has not been reported in the literature in individuals affected with LRP5-related conditions. This variant is not present in population databases (gnomAD no frequency). This sequence change replaces serine, which is neutral and polar, with arginine, which is basic and polar, at codon 567 of the LRP5 protein (p.Ser567Arg).

NM_002335.4(LRP5):c.1699A>C (p.Ser567Arg)

Gene: LRP5 (LDL receptor related protein 5; plus strand). Cytogenetic location: 11q13.2.
Variant type: single nucleotide variant.
Coding change: c.1699A>C on transcript NM_002335.4 (MANE Select); coding-DNA position 1699, A replaced by C.
Protein change: p.Ser567Arg; replaces serine 567 with arginine.
Molecular consequence: missense variant. On other transcripts: 5 prime UTR variant (1).
Genome position (GRCh38, 1-based): chr11:68,403,597, A>C. VCF-style: chr11-68403597-A-C. GRCh37 (hg19) VCF-style: chr11-68171065-A-C.
Other names: c.-239A>C (NM_001291902.2); short protein forms S567R.
Identifiers: ClinVar variation 1417754 (VCV001417754.6), dbSNP rs1489390594, ClinGen allele CA381614385.
Genomic context (GRCh38, chr11:68,403,597, plus strand): 5'-CACATTTTTGGGTTCACGCTGCTGGGGGACTTCATCTACTGGACTGACTGGCAGCGCCGC[A>C]GCATCGAGCGGGTGCACAAGGTCAAGGCCAGCCGGGACGTCATCATTGACCAGCTGCCCG-3'
Protein context (NP_002326.2, residues 557-577): FIYWTDWQRR[Ser567Arg]IERVHKVKAS